The following is an entry in ClinVar:

NM_000059.4(BRCA2):c.10186A>C (p.Ser3396Arg)

Gene: BRCA2 (BRCA2 DNA repair associated; plus strand). Cytogenetic location: 13q13.1.
Variant type: single nucleotide variant.
Coding change: c.10186A>C on transcript NM_000059.4 (MANE Select); coding-DNA position 10186, A replaced by C.
Protein change: p.Ser3396Arg; replaces serine 3396 with arginine.
Molecular consequence: missense variant.
Genome position (GRCh38, 1-based): chr13:32,398,699, A>C. VCF-style: chr13-32398699-A-C. GRCh37 (hg19) VCF-style: chr13-32972836-A-C.
Other names: short protein forms S3396R.
Identifiers: ClinVar variation 433843 (VCV000433843.13), dbSNP rs1555290062, ClinGen allele CA387768334.
Genomic context (GRCh38, chr13:32,398,699, plus strand): 5'-TCAGAAGATTATCTCAGACTGAAACGACGTTGTACTACATCTCTGATCAAAGAACAGGAG[A>C]GTTCCCAGGCCAGTACGGAAGAATGTGAGAAAAATAAGCAGGACACAATTACAACTAAAA-3'
Protein context (NP_000050.3, residues 3386-3406): CTTSLIKEQE[Ser3396Arg]SQASTEECEK

ClinVar aggregate classification (germline): Uncertain significance. Review status: criteria provided, multiple submitters, no conflicts (2 of 4 stars). 3 submissions from 3 submitters: Uncertain significance (2). 1 of the submissions does not count toward it. Last evaluated 2025-08-19.

Conditions:
Hereditary cancer-predisposing syndrome. Also called: Hereditary Cancer Syndrome; Hereditary neoplastic syndrome; Neoplastic Syndromes, Hereditary; Tumor predisposition. Identifiers: Orphanet 140162, MedGen C0027672, MeSH D009386, MONDO:0015356.
Hereditary breast ovarian cancer syndrome. Also called: Hereditary breast and ovarian cancer syndrome (HBOC); Breast and ovarian cancer; BRCA1- and BRCA2-Associated Hereditary Breast and Ovarian Cancer; Hereditary breast and/or ovarian cancer syndrome; Hereditary breast and ovarian cancer; Hereditary breast and ovarian cancer syndrome. Identifiers: Orphanet 145, MedGen C0677776, MeSH D061325, MONDO:0003582. Disease mechanism: loss of function.

Submissions (3):

Color Diagnostics, LLC DBA Color Health
Classification: Uncertain significance for Hereditary cancer-predisposing syndrome. Last evaluated: 2025-08-19. Review status: criteria provided, single submitter. Criteria: ACMG Guidelines, 2015. Collection method: clinical testing. Allele origin: germline.
Comment: This missense variant replaces serine with arginine at codon 3396 of the BRCA2 protein. Computational prediction suggests that this variant may not impact protein structure and function. To our knowledge, functional studies have not been reported for this variant. This variant has been reported in two individuals affected with breast cancer (PMID: 29884136). This variant has not been identified in the general population by the Genome Aggregation Database (gnomAD). The available evidence is insufficient to determine the role of this variant in disease conclusively. Therefore, this variant is classified as a Variant of Uncertain Significance.

Labcorp Genetics (formerly Invitae), Labcorp
Classification: Uncertain significance for Hereditary breast ovarian cancer syndrome. Last evaluated: 2025-06-02. Review status: criteria provided, single submitter. Criteria: Invitae Variant Classification Sherloc (09022015). Collection method: clinical testing. Allele origin: germline.
Comment: This sequence change replaces serine, which is neutral and polar, with arginine, which is basic and polar, at codon 3396 of the BRCA2 protein (p.Ser3396Arg). This variant is not present in population databases (gnomAD no frequency). This missense change has been observed in individual(s) with breast cancer (PMID: 29884136). ClinVar contains an entry for this variant (Variation ID: 433843). Invitae Evidence Modeling of protein sequence and biophysical properties (such as structural, functional, and spatial information, amino acid conservation, physicochemical variation, residue mobility, and thermodynamic stability) indicates that this missense variant is not expected to disrupt BRCA2 protein function with a negative predictive value of 95%. In summary, the available evidence is currently insufficient to determine the role of this variant in disease. Therefore, it has been classified as a Variant of Uncertain Significance.

Department of Pathology and Laboratory Medicine, Sinai Health System
Classification: Uncertain significance. Review status: no assertion criteria provided. Collection method: clinical testing. Allele origin: unknown. Affected: yes. Observed: 1 variant allele. Study: The Canadian Open Genetics Repository (COGR). Not counted in ClinVar's aggregate classification.
Comment: The BRCA2 p.Ser3396Arg variant was not identified in the literature but was identified in the COSMIC database in one case of endometrial carcinoma. The p.Ser3396 residue is not conserved in mammals and computational analyses (PolyPhen-2, SIFT, AlignGVGD) do not suggest a high likelihood of impact of the p.Ser3396Arg variant to the protein. However, this information is not predictive enough to rule out pathogenicity. In summary, based on the above information, the clinical significance of this variant cannot be determined with certainty at this time. This variant is classified as a variant of unknown significance.

Literature cited by the submitters: PubMed 29884136 (cited by Color Diagnostics, LLC DBA Color Health and Labcorp Genetics (formerly Invitae), Labcorp).